The following is an entry in ClinVar:

NR_033294.2(SNORD118):n.103G>A

Genes: SNORD118 (small nucleolar RNA, C/D box 118; minus strand), TMEM107 (transmembrane protein 107; minus strand). Cytogenetic location: 17p13.1.
Variant type: single nucleotide variant.
Molecular consequence: non-coding transcript variant (on NR_033294.2). On other transcripts: 3 prime UTR variant (5).
Genome position: GRCh38 VCF-style: chr17-8173486-C-T. GRCh37 (hg19) VCF-style: chr17-8076804-C-T.
Other names: c.*717G>A (NM_001351278.2, NM_001351279.2, NM_001351280.2 and 2 more transcripts).
Identifiers: ClinVar variation 929271 (VCV000929271.4), dbSNP rs562912181, ClinGen allele CA8370628.

ClinVar aggregate classification (germline): Uncertain significance. Review status: criteria provided, single submitter (1 of 4 stars). 2 submissions from 2 submitters: Uncertain significance (1). 1 of the submissions does not count toward it. Last evaluated 2023-08-04.

Conditions:
Leukoencephalopathy with calcifications and cysts. Also called: Leukoencephalopathy, brain calcifications, and cysts; LABRUNE SYNDROME. Identifiers: Orphanet 542310, MedGen C3281200, MONDO:0013803, OMIM 614561.

Allele frequency attached by ClinVar (database versions not stated): 1000 Genomes Project 30x 0.00016; 1000 Genomes Project 0.00020; gnomAD below 0.00001 and 0.00003; TOPMed below 0.00001; ExAC 0.00002.
gnomAD v4.1: 15 of 765,008 alleles (0.002%); highest among the groups gnomAD compares: East Asian, 0.0097%; no homozygotes.

Submissions (2):

Labcorp Genetics (formerly Invitae), Labcorp
Classification: Uncertain significance. Last evaluated: 2023-08-04. Review status: criteria provided, single submitter. Criteria: Invitae Variant Classification Sherloc (09022015). Collection method: clinical testing. Allele origin: germline.
Comment: This variant occurs in the SNORD118 gene, which encodes an RNA molecule that does not result in a protein product. This variant is present in population databases (rs562912181, gnomAD 0.007%). This variant has been observed in individual(s) with leukoencephalopathy with calcifications and cysts (PMID: 27571260). In at least one individual the data is consistent with being in trans (on the opposite chromosome) from a pathogenic variant. ClinVar contains an entry for this variant (Variation ID: 929271). In summary, the available evidence is currently insufficient to determine the role of this variant in disease. Therefore, it has been classified as a Variant of Uncertain Significance.

Laboratory of Neurogenetics and Neuroinflammation, Institut Imagine
Classification: Pathogenic for Leukoencephalopathy, brain calcifications, and cysts. Last evaluated: 2020-04-06. Review status: no assertion criteria provided. Collection method: clinical testing. Allele origin: germline. Affected: yes. Observed: 1 variant allele. Not counted in ClinVar's aggregate classification.

Literature cited by the submitters: PubMed 27571260 (cited by Labcorp Genetics (formerly Invitae), Labcorp); PubMed 28177126 (cited by Laboratory of Neurogenetics and Neuroinflammation, Institut Imagine).